The following is an entry in ClinVar:

ClinVar aggregate classification (germline): Uncertain significance. Review status: criteria provided, multiple submitters, no conflicts (2 of 4 stars). 2 submissions from 2 submitters: Uncertain significance (2). Last evaluated 2024-02-05.

Conditions:
Inborn genetic diseases. Identifiers: MedGen C0950123, MeSH D030342.

Allele frequency attached by ClinVar (database versions not stated): gnomAD 0.00003; gnomAD exomes 0.00003; TOPMed 0.00005.
gnomAD v4.1: 55 of 1,613,988 alleles (0.0034%); highest among the groups gnomAD compares: Non-Finnish European, 0.0042%; no homozygotes.

Submissions (2):

Ambry Genetics
Classification: Uncertain significance for Inborn genetic diseases. Last evaluated: 2024-02-05. Review status: criteria provided, single submitter. Criteria: Ambry Variant Classification Scheme 2023. Collection method: clinical testing. Allele origin: germline.

Labcorp Genetics (formerly Invitae), Labcorp
Classification: Uncertain significance. Last evaluated: 2022-03-14. Review status: criteria provided, single submitter. Criteria: Invitae Variant Classification Sherloc (09022015). Collection method: clinical testing. Allele origin: germline.
Comment: This sequence change replaces arginine, which is basic and polar, with cysteine, which is neutral and slightly polar, at codon 1166 of the FREM2 protein (p.Arg1166Cys). This variant is present in population databases (rs201063766, gnomAD 0.007%). This variant has not been reported in the literature in individuals affected with FREM2-related conditions. Algorithms developed to predict the effect of missense changes on protein structure and function are either unavailable or do not agree on the potential impact of this missense change (SIFT: "Deleterious"; PolyPhen-2: "Benign"; Align-GVGD: "Class C0"). In summary, the available evidence is currently insufficient to determine the role of this variant in disease. Therefore, it has been classified as a Variant of Uncertain Significance.

NM_207361.6(FREM2):c.3496C>T (p.Arg1166Cys)

Gene: FREM2 (FRAS1 related extracellular matrix 2; plus strand). Cytogenetic location: 13q13.3.
Variant type: single nucleotide variant.
Coding change: c.3496C>T on transcript NM_207361.6 (MANE Select); coding-DNA position 3496, C replaced by T.
Protein change: p.Arg1166Cys; replaces arginine 1166 with cysteine.
Molecular consequence: missense variant.
Genome position (GRCh38, 1-based): chr13:38,690,840, C>T. VCF-style: chr13-38690840-C-T. GRCh37 (hg19) VCF-style: chr13-39264977-C-T.
Other names: c.3496C>T (NM_207361.4); short protein forms R1166C.
Identifiers: ClinVar variation 2171984 (VCV002171984.2), dbSNP rs201063766, ClinGen allele CA6954803.